The following is an entry in ClinVar:

ClinVar aggregate classification (germline): Uncertain significance (1 of 4 stars; one submission).

gnomAD v4.1: 119 of 1,613,994 alleles (0.0074%); highest among the groups gnomAD compares: Admixed American, 0.013%; no homozygotes.

Submission:

Labcorp Genetics (formerly Invitae), Labcorp
Classification: Uncertain significance. Last evaluated: 2024-02-14. Review status: criteria provided, single submitter. Criteria: Invitae Variant Classification Sherloc (09022015). Collection method: clinical testing. Allele origin: germline.
Comment: This sequence change replaces glutamic acid, which is acidic and polar, with lysine, which is basic and polar, at codon 1132 of the PDE3A protein (p.Glu1132Lys). This variant is present in population databases (rs374913499, gnomAD 0.03%). This variant has not been reported in the literature in individuals affected with PDE3A-related conditions. An algorithm developed to predict the effect of missense changes on protein structure and function (PolyPhen-2) suggests that this variant is likely to be tolerated. Algorithms developed to predict the effect of sequence changes on RNA splicing suggest that this variant may create or strengthen a splice site. In summary, the available evidence is currently insufficient to determine the role of this variant in disease. Therefore, it has been classified as a Variant of Uncertain Significance.

NM_000921.5(PDE3A):c.3394G>A (p.Glu1132Lys)

Gene: PDE3A (phosphodiesterase 3A; plus strand). Cytogenetic location: 12p12.2.
Variant type: single nucleotide variant.
Coding change: c.3394G>A on transcript NM_000921.5 (MANE Select); coding-DNA position 3394, G replaced by A.
Protein change: p.Glu1132Lys; replaces glutamic acid 1132 with lysine.
Molecular consequence: missense variant. On other transcripts: 3 prime UTR variant (1).
Genome position (GRCh38, 1-based): chr12:20,680,239, G>A. VCF-style: chr12-20680239-G-A. GRCh37 (hg19) VCF-style: chr12-20833173-G-A.
Other names: c.2428G>A, p.Glu810Lys (NM_001244683.2); c.3088G>A, p.Glu1030Lys (NM_001378407.1); c.*122G>A (NM_001378408.1); short protein forms E1132K, E810K, E1030K.
Identifiers: ClinVar variation 3631242 (VCV003631242.2).